The following is an entry in ClinVar:

NM_004462.5(FDFT1):c.627G>A (p.Leu209=)

Gene: FDFT1 (farnesyl-diphosphate farnesyltransferase 1). Cytogenetic location: 8p23.1.
Variant type: single nucleotide variant.
Coding change: c.627G>A on transcript NM_004462.5 (MANE Select); coding-DNA position 627, G replaced by A.
Protein change: p.Leu209=; no amino-acid change (leucine 209 retained).
Molecular consequence: synonymous variant.
Genome position (GRCh38, 1-based): chr8:11,826,140, G>A. VCF-style: chr8-11826140-G-A. GRCh37 (hg19) VCF-style: chr8-11683649-G-A.
Other names: c.627G>A, p.Leu209= (NM_001287742.2, NM_001287743.2); c.435G>A, p.Leu145= (NM_001287744.2, NM_001287745.2, NM_001287747.2 and 2 more transcripts); c.804G>A, p.Leu268= (NM_001287750.2); c.372G>A, p.Leu124= (NM_001287751.2); c.126G>A, p.Leu42= (NM_001287756.2).
Identifiers: ClinVar variation 2571308 (VCV002571308.27), dbSNP rs754178776, ClinGen allele CA459320320.
Genomic context (GRCh38, chr8:11,826,140, plus strand): 5'-CTCAGAGTTTGAAGACCCCTTAGTTGGTGAAGATACAGAACGTGCCAACTCTATGGGCCT[G>A]TTTTTGCAGAAAACAAACATCATCCGTGACTATCTGGAAGACCAGCAAGGAGGAAGAGAG-3'
Protein context (NP_004453.3, residues 199-219): EDTERANSMG[Leu209=]FLQKTNIIRD

ClinVar aggregate classification (germline): Likely benign (1 of 4 stars; one submission).

gnomAD v4.1: 2 of 1,608,822 alleles (0.00012%); highest among the groups gnomAD compares: Middle Eastern, 0.017%; no homozygotes.

Submission:

CeGaT Center for Human Genetics Tuebingen
Classification: Likely benign. Last evaluated: 2023-05-01. Review status: criteria provided, single submitter. Criteria: CeGaT Center For Human Genetics Tuebingen Variant Classification Criteria Version 2. Collection method: clinical testing. Allele origin: germline. Affected: yes. Observed: 1 variant allele.
Comment: FDFT1: PM2:Supporting, BP4, BP7